The following is an entry in ClinVar:

NM_006231.4(POLE):c.3262C>A (p.Pro1088Thr)

Gene: POLE (DNA polymerase epsilon, catalytic subunit; minus strand). Cytogenetic location: 12q24.33.
Variant type: single nucleotide variant.
Coding change: c.3262C>A on transcript NM_006231.4 (MANE Select); coding-DNA position 3262, C replaced by A.
Protein change: p.Pro1088Thr; replaces proline 1088 with threonine.
Molecular consequence: missense variant.
Genome position (GRCh38, 1-based): chr12:132,659,308, G>T on the plus strand (C>A on the coding strand, the complement: POLE is on the minus strand). VCF-style: chr12-132659308-G-T. GRCh37 (hg19) VCF-style: chr12-133235894-G-T.
Other names: c.3262C>A (NM_006231.2); short protein forms P1088T.
Identifiers: ClinVar variation 801263 (VCV000801263.3), dbSNP rs957043409, ClinGen allele CA246316117.

ClinVar aggregate classification (germline): Uncertain significance. Review status: criteria provided, multiple submitters, no conflicts (2 of 4 stars). 2 submissions from 2 submitters: Uncertain significance (2). Last evaluated 2026-08-01.

Conditions:
Hereditary cancer-predisposing syndrome. Also called: Tumor predisposition; Hereditary Cancer Syndrome; Neoplastic Syndromes, Hereditary; Hereditary neoplastic syndrome. Identifiers: Orphanet 140162, MedGen C0027672, MeSH D009386, MONDO:0015356.

Submissions (2):

Ambry Genetics
Classification: Uncertain significance for Hereditary cancer-predisposing syndrome. Last evaluated: 2026-08-01. Review status: criteria provided, single submitter. Criteria: Ambry Variant Classification Scheme 2023. Collection method: clinical testing. Allele origin: germline.
Comment: The p.P1088T variant (also known as c.3262C>A), located in coding exon 26 of the POLE gene, results from a C to A substitution at nucleotide position 3262. The proline at codon 1088 is replaced by threonine, an amino acid with highly similar properties. This amino acid position is conserved. In addition, the in silico prediction for this alteration is inconclusive. Based on the available evidence, the clinical significance of this variant remains unclear.

Quest Diagnostics Nichols Institute San Juan Capistrano
Classification: Uncertain significance. Last evaluated: 2019-08-18. Review status: criteria provided, single submitter. Criteria: Quest Diagnostics criteria. Collection method: clinical testing. Allele origin: germline.